The following is an entry in ClinVar:

NM_021096.4(CACNA1I):c.3127G>A (p.Gly1043Arg)

Gene: CACNA1I (calcium voltage-gated channel subunit alpha1 I; plus strand). Cytogenetic location: 22q13.1.
Variant type: single nucleotide variant.
Coding change: c.3127G>A on transcript NM_021096.4 (MANE Select); coding-DNA position 3127, G replaced by A.
Protein change: p.Gly1043Arg; replaces glycine 1043 with arginine.
Molecular consequence: missense variant.
Genome position (GRCh38, 1-based): chr22:39,662,190, G>A. VCF-style: chr22-39662190-G-A. GRCh37 (hg19) VCF-style: chr22-40058195-G-A.
Other names: c.3022G>A, p.Gly1008Arg (NM_001003406.2); short protein forms G1008R, G1043R.
Identifiers: ClinVar variation 4886244 (VCV004886244.2).

ClinVar aggregate classification (germline): Uncertain significance (1 of 4 stars; one submission).

gnomAD v4.1: 2 of 1,528,892 alleles (0.00013%); highest among the groups gnomAD compares: South Asian, 0.0012%; no homozygotes.

Submission:

Dasa
Classification: Uncertain significance. Last evaluated: 2026-04-07. Review status: criteria provided, single submitter. Criteria: DASA Assertion Criteria. Collection method: clinical testing. Allele origin: germline.
Comment: NM_021096.4(CACNA1I):c.3127G>A (p.Gly1043Arg) is a missense variant that results in the substitution of glycine with arginine. This variant is rare in population databases. The currently available literature and clinical evidence are not sufficient to establish a definitive association between this variant and the reported condition. Therefore, this variant is classified as a variant of uncertain significance.